The following is an entry in ClinVar:

ClinVar aggregate classification (germline): Likely benign (1 of 4 stars; one submission).

Allele frequency attached by ClinVar (database versions not stated): ExAC 0.00005.

Submission:

CeGaT Center for Human Genetics Tuebingen
Classification: Likely benign. Last evaluated: 2023-03-01. Review status: criteria provided, single submitter. Criteria: CeGaT Center For Human Genetics Tuebingen Variant Classification Criteria Version 2. Collection method: clinical testing. Allele origin: germline. Affected: yes. Observed: 1 variant allele.
Comment: ESX1: BP4, BP7, BS2

NM_153448.4(ESX1):c.234C>T (p.Gly78=)

Gene: ESX1 (ESX homeobox 1; minus strand). Cytogenetic location: Xq22.2.
Variant type: single nucleotide variant.
Coding change: c.234C>T on transcript NM_153448.4 (MANE Select); coding-DNA position 234, C replaced by T.
Protein change: p.Gly78=; no amino-acid change (glycine 78 retained).
Molecular consequence: synonymous variant.
Genome position (GRCh38, 1-based): chrX:104,254,426, G>A on the plus strand (C>T on the coding strand, the complement: ESX1 is on the minus strand). VCF-style: chrX-104254426-G-A. GRCh37 (hg19) VCF-style: chrX-103499107-G-A.
Identifiers: ClinVar variation 2661116 (VCV002661116.24), dbSNP rs782447566, ClinGen allele CA10480146.